The following is an entry in ClinVar:

ClinVar aggregate classification (germline): not provided (0 of 4 stars; one submission).

Allele frequency attached by ClinVar (database versions not stated): gnomAD 0.00001 and 0.00003; TOPMed 0.00001; gnomAD exomes 0.00005.
gnomAD v4.1: 70 of 1,581,262 alleles (0.0044%); highest among the groups gnomAD compares: East Asian, 0.16%; no homozygotes.

Submission:

Department of Psychiatry, Nagoya University
No classification provided. Review status: no classification provided. Collection method: not provided. Allele origin: somatic.

NM_024605.4(ARHGAP10):c.1468T>C (p.Ser490Pro)

Gene: ARHGAP10 (Rho GTPase activating protein 10; plus strand). Cytogenetic location: 4q31.23.
Variant type: single nucleotide variant.
Coding change: c.1468T>C on transcript NM_024605.4 (MANE Select); coding-DNA position 1468, T replaced by C.
Protein change: p.Ser490Pro; replaces serine 490 with proline.
Molecular consequence: missense variant.
Genome position (GRCh38, 1-based): chr4:147,965,041, T>C. VCF-style: chr4-147965041-T-C. GRCh37 (hg19) VCF-style: chr4-148886192-T-C.
Other names: short protein forms S490P.
Identifiers: ClinVar variation 120314 (VCV000120314.1), dbSNP rs483352828, ClinGen allele CA230655.